The following is an entry in ClinVar:

ClinVar aggregate classification (germline): Uncertain significance (1 of 4 stars; one submission).

gnomAD v4.1: 4 of 1,550,222 alleles (0.00026%); highest among the groups gnomAD compares: Non-Finnish European, 0.00035%; no homozygotes.

Submission:

Mayo Clinic Laboratories, Mayo Clinic
Classification: Uncertain significance. Last evaluated: 2025-11-20. Review status: criteria provided, single submitter. Criteria: ACMG Guidelines, 2015. Collection method: clinical testing. Allele origin: germline. Observed: 1 variant allele.
Comment: BP4_moderate, PM2_supporting

NM_001367624.2(ZNF469):c.6530A>G (p.Glu2177Gly)

Gene: ZNF469 (zinc finger protein 469; plus strand). Cytogenetic location: 16q24.2.
Variant type: single nucleotide variant.
Coding change: c.6530A>G on transcript NM_001367624.2 (MANE Select); coding-DNA position 6530, A replaced by G.
Protein change: p.Glu2177Gly; replaces glutamic acid 2177 with glycine.
Molecular consequence: missense variant.
Genome position (GRCh38, 1-based): chr16:88,434,000, A>G. VCF-style: chr16-88434000-A-G. GRCh37 (hg19) VCF-style: chr16-88500408-A-G.
Other names: p.Glu2177Gly; short protein forms E2177G.
Identifiers: ClinVar variation 4542072 (VCV004542072.1).